The following is an entry in ClinVar:

NM_006493.4(CLN5):c.3G>A (p.Met1Ile)

Gene: CLN5 (CLN5 lysosomal BMP synthase; plus strand). Cytogenetic location: 13q22.3.
Variant type: single nucleotide variant.
Coding change: c.3G>A on transcript NM_006493.4 (MANE Select); coding-DNA position 3, G replaced by A.
Protein change: p.Met1Ile; changes the start codon (methionine 1).
Molecular consequence: missense variant, initiator codon variant.
Genome position (GRCh38, 1-based): chr13:76,992,101, G>A. VCF-style: chr13-76992101-G-A. GRCh37 (hg19) VCF-style: chr13-77566236-G-A.
Other names: c.150G>A (NM_006493.2); c.3G>A, p.Met1Ile (NM_001366624.2); short protein forms M1I.
Identifiers: ClinVar variation 1398715 (VCV001398715.10), dbSNP rs1464891081, ClinGen allele CA388306193.

ClinVar aggregate classification (germline): Uncertain significance. Review status: criteria provided, multiple submitters, no conflicts (2 of 4 stars). 3 submissions from 3 submitters: Uncertain significance (3). Last evaluated 2025-03-31.

Conditions:
Neuronal ceroid lipofuscinosis. Also called: Neuronal Ceroid Lipofuscinoses. Identifiers: Orphanet 216, Orphanet 79263, MedGen C0027877, MONDO:0016295. Disease mechanism: loss of function.
Neuronal ceroid lipofuscinosis 5 (CLN5). Also called: Neuronal ceroid lipofuscinosis Finnish variant; NEURONAL CEROID LIPOFUSCINOSIS, LATE INFANTILE, FINNISH VARIANT; CEROID LIPOFUSCINOSIS, NEURONAL, 5, VARIABLE AGE AT ONSET; CLN5-Related Neuronal Ceroid-Lipofuscinosis. Identifiers: Orphanet 168491, Orphanet 228360, MedGen C1850442, MONDO:0009745, OMIM 256731.

Allele frequency attached by ClinVar (database versions not stated): gnomAD exomes below 0.00001 and 0.00001; gnomAD 0.00001; TOPMed 0.00001.

Submissions (3):

Labcorp Genetics (formerly Invitae), Labcorp
Classification: Uncertain significance for Neuronal ceroid lipofuscinosis. Last evaluated: 2025-03-31. Review status: criteria provided, single submitter. Criteria: Invitae Variant Classification Sherloc (09022015). Collection method: clinical testing. Allele origin: germline.
Comment: This sequence change replaces methionine, which is neutral and non-polar, with isoleucine, which is neutral and non-polar, at codon 50 of the CLN5 protein (p.Met50Ile). This variant is not present in population databases (gnomAD no frequency). This variant has not been reported in the literature in individuals affected with CLN5-related conditions. ClinVar contains an entry for this variant (Variation ID: 1398715). An algorithm developed to predict the effect of missense changes on protein structure and function (PolyPhen-2) suggests that this variant is likely to be tolerated. In summary, the available evidence is currently insufficient to determine the role of this variant in disease. Therefore, it has been classified as a Variant of Uncertain Significance.

Blueprint Genetics
Classification: Uncertain significance. Last evaluated: 2021-10-28. Review status: criteria provided, single submitter. Criteria: ACMG Guidelines, 2015. Collection method: clinical testing. Allele origin: germline.

Revvity Omics, Revvity
Classification: Uncertain significance for Neuronal ceroid lipofuscinosis 5. Last evaluated: 2020-06-24. Review status: criteria provided, single submitter. Criteria: ACMG Guidelines, 2015. Collection method: clinical testing. Allele origin: germline.